The following is an entry in ClinVar:

ClinVar aggregate classification (germline): Uncertain significance (1 of 4 stars; one submission).

Conditions:
Hereditary cancer-predisposing syndrome. Also called: Neoplastic Syndromes, Hereditary; Hereditary Cancer Syndrome; Hereditary neoplastic syndrome; Tumor predisposition. Identifiers: Orphanet 140162, MedGen C0027672, MeSH D009386, MONDO:0015356.

Submission:

Ambry Genetics
Classification: Uncertain significance for Hereditary cancer-predisposing syndrome. Last evaluated: 2023-04-07. Review status: criteria provided, single submitter. Criteria: Ambry Variant Classification Scheme 2023. Collection method: clinical testing. Allele origin: germline.
Comment: The p.F672L variant (also known as c.2016C>A), located in coding exon 13 of the BRIP1 gene, results from a C to A substitution at nucleotide position 2016. The phenylalanine at codon 672 is replaced by leucine, an amino acid with highly similar properties. This amino acid position is conserved. In addition, the in silico prediction for this alteration is inconclusive. Since supporting evidence is limited at this time, the clinical significance of this alteration remains unclear.

NM_032043.3(BRIP1):c.2016C>A (p.Phe672Leu)

Gene: BRIP1 (BRCA1 interacting DNA helicase 1; minus strand). Cytogenetic location: 17q23.2.
Variant type: single nucleotide variant.
Coding change: c.2016C>A on transcript NM_032043.3 (MANE Select); coding-DNA position 2016, C replaced by A.
Protein change: p.Phe672Leu; replaces phenylalanine 672 with leucine.
Molecular consequence: missense variant.
Genome position (GRCh38, 1-based): chr17:61,776,482, G>T on the plus strand (C>A on the coding strand, the complement: BRIP1 is on the minus strand). VCF-style: chr17-61776482-G-T. GRCh37 (hg19) VCF-style: chr17-59853843-G-T.
Other names: short protein forms F672L.
Identifiers: ClinVar variation 2561939 (VCV002561939.2), dbSNP rs2145030269, ClinGen allele CA400478328.